The following is an entry in ClinVar:

NM_000038.6(APC):c.5020G>A (p.Gly1674Arg)

Gene: APC (APC regulator of Wnt signaling pathway; plus strand). Cytogenetic location: 5q22.2.
Variant type: single nucleotide variant.
Coding change: c.5020G>A on transcript NM_000038.6 (MANE Select); coding-DNA position 5020, G replaced by A.
Protein change: p.Gly1674Arg; replaces glycine 1674 with arginine.
Molecular consequence: missense variant.
Genome position (GRCh38, 1-based): chr5:112,840,614, G>A. VCF-style: chr5-112840614-G-A. GRCh37 (hg19) VCF-style: chr5-112176311-G-A.
Other names: c.5020G>A, p.Gly1674Arg (NM_001127510.3, NM_001354895.2); c.4966G>A, p.Gly1656Arg (NM_001127511.3); c.5074G>A, p.Gly1692Arg (NM_001354896.2); c.5050G>A, p.Gly1684Arg (NM_001354897.2); c.4945G>A, p.Gly1649Arg (NM_001354898.2); c.4936G>A, p.Gly1646Arg (NM_001354899.2); c.4897G>A, p.Gly1633Arg (NM_001354900.2); c.4843G>A, p.Gly1615Arg (NM_001354901.2); and 5 more; short protein forms G1656R, G1674R, G1573R, G1583R, G1548R, G1633R, G1684R, G1692R.
Identifiers: ClinVar variation 584675 (VCV000584675.8), dbSNP rs899555020, ClinGen allele CA16032314.
Genomic context (GRCh38, chr5:112,840,614, plus strand): 5'-GCTACATCTCTAAGTGATCTAACAATCGAATCCCCTCCAAATGAGTTAGCTGCTGGAGAA[G>A]GAGTTAGAGGAGGGGCACAGTCAGGTGAATTTGAAAAACGAGATACCATTCCTACAGAAG-3'
Protein context (NP_000029.2, residues 1664-1684): SPPNELAAGE[Gly1674Arg]VRGGAQSGEF

ClinVar aggregate classification (germline): Uncertain significance. Review status: criteria provided, multiple submitters, no conflicts (2 of 4 stars). 5 submissions from 5 submitters: Uncertain significance (5). Last evaluated 2025-05-07.

Conditions:
Familial adenomatous polyposis 1 (FAP1). Also called: FAMILIAL ADENOMATOUS POLYPOSIS 1, ATTENUATED; POLYPOSIS, ADENOMATOUS INTESTINAL. Identifiers: MedGen C2713442, MONDO:0021056, OMIM 175100. Disease mechanism: loss of function.
Hereditary cancer-predisposing syndrome. Also called: Neoplastic Syndromes, Hereditary; Hereditary Cancer Syndrome; Tumor predisposition; Hereditary neoplastic syndrome. Identifiers: Orphanet 140162, MedGen C0027672, MeSH D009386, MONDO:0015356.

Allele frequency attached by ClinVar (database versions not stated): gnomAD exomes below 0.00001; TOPMed 0.00001.
gnomAD v4.1: 1 of 1,614,084 alleles (0.000062%); no homozygotes.

Submissions (5):

Ambry Genetics
Classification: Uncertain significance for Hereditary cancer-predisposing syndrome. Last evaluated: 2025-05-07. Review status: criteria provided, single submitter. Criteria: Ambry Variant Classification Scheme 2023. Collection method: clinical testing. Allele origin: germline.
Comment: The p.G1674R variant (also known as c.5020G>A), located in coding exon 15 of the APC gene, results from a G to A substitution at nucleotide position 5020. The glycine at codon 1674 is replaced by arginine, an amino acid with dissimilar properties. This amino acid position is not well conserved in available vertebrate species. In addition, in silico predictors for this gene do not accurately predict pathogenicity. Missense alterations in APC are not a common cause of disease (Spier I et al. Genet Med. 2024 Feb;26(2):100992). Based on the available evidence, the clinical significance of this variant remains unclear.

GeneDx
Classification: Uncertain significance. Last evaluated: 2024-03-12. Review status: criteria provided, single submitter. Criteria: GeneDx Variant Classification Process June 2021. Collection method: clinical testing. Allele origin: germline. Affected: yes.
Comment: Not observed at significant frequency in large population cohorts (gnomAD); In silico analysis supports that this missense variant does not alter protein structure/function; Has not been previously published as pathogenic or benign to our knowledge; This variant is associated with the following publications: (PMID: 18199528)

Baylor Genetics
Classification: Uncertain significance for Familial adenomatous polyposis 1. Last evaluated: 2023-10-15. Review status: criteria provided, single submitter. Criteria: ACMG Guidelines, 2015. Collection method: clinical testing. Allele origin: unknown.

Women's Health and Genetics/Laboratory Corporation of America, LabCorp
Classification: Uncertain significance. Last evaluated: 2022-01-20. Review status: criteria provided, single submitter. Criteria: LabCorp Variant Classification Summary - May 2015. Collection method: clinical testing. Allele origin: germline.

Mendelics
Classification: Uncertain significance for Familial adenomatous polyposis 1. Last evaluated: 2018-07-02. Review status: criteria provided, single submitter. Criteria: Mendelics Assertion Criteria 2017. Collection method: clinical testing. Allele origin: unknown.